The following is an entry in ClinVar:

ClinVar aggregate classification (germline): Uncertain significance. Review status: criteria provided, multiple submitters, no conflicts (2 of 4 stars). 2 submissions from 2 submitters: Uncertain significance (2). Last evaluated 2024-02-12.

Allele frequency attached by ClinVar (database versions not stated): ExAC 0.00002; gnomAD 0.00006; TOPMed 0.00009.
gnomAD v4.1: 18 of 1,604,296 alleles (0.0011%); highest among the groups gnomAD compares: African/African-American, 0.02%; no homozygotes.

Submissions (2):

GeneDx
Classification: Uncertain significance. Last evaluated: 2024-02-12. Review status: criteria provided, single submitter. Criteria: GeneDx Variant Classification Process June 2021. Collection method: clinical testing. Allele origin: germline. Affected: yes.
Comment: In silico analysis supports that this missense variant does not alter protein structure/function; Has not been previously published as pathogenic or benign to our knowledge

Ambry Genetics
Classification: Uncertain significance. Last evaluated: 2023-12-19. Review status: criteria provided, single submitter. Criteria: Ambry Variant Classification Scheme 2023. Collection method: clinical testing. Allele origin: germline.

NM_001813.3(CENPE):c.5278C>T (p.His1760Tyr)

Gene: CENPE (centromere protein E; minus strand). Cytogenetic location: 4q24.
Variant type: single nucleotide variant.
Coding change: c.5278C>T on transcript NM_001813.3 (MANE Select); coding-DNA position 5278, C replaced by T.
Protein change: p.His1760Tyr; replaces histidine 1760 with tyrosine.
Molecular consequence: missense variant.
Genome position (GRCh38, 1-based): chr4:103,143,274, G>A on the plus strand (C>T on the coding strand, the complement: CENPE is on the minus strand). VCF-style: chr4-103143274-G-A. GRCh37 (hg19) VCF-style: chr4-104064431-G-A.
Other names: c.5203C>T, p.His1735Tyr (NM_001286734.2); short protein forms H1735Y, H1760Y.
Identifiers: ClinVar variation 3142292 (VCV003142292.2), dbSNP rs771175151, ClinGen allele CA3029649.